The following is an entry in ClinVar:

NM_183357.3(ADCY5):c.1646+58G>A

Gene: ADCY5 (adenylate cyclase 5; minus strand). Cytogenetic location: 3q21.1.
Variant type: single nucleotide variant.
Coding change: c.1646+58G>A on transcript NM_183357.3 (MANE Select); 58 bases into the intron after coding-DNA position 1646, G replaced by A.
Molecular consequence: intron variant.
Genome position (GRCh38, 1-based): chr3:123,330,831, C>T on the plus strand (G>A on the coding strand, the complement: ADCY5 is on the minus strand). VCF-style: chr3-123330831-C-T. GRCh37 (hg19) VCF-style: chr3-123049678-C-T.
Other names: c.1646+58G>A (NM_001378259.1); c.596+58G>A (NM_001199642.1).
Identifiers: ClinVar variation 1247103 (VCV001247103.6), dbSNP rs4678009, ClinGen allele CA11375404.
Genomic context (GRCh38, chr3:123,330,831, plus strand): 5'-CAGACAGTTTCACCCCACTGTTTCCCTGCCTCCAACTAGGCAGCCGGCAGGTCAGTCAGT[C>T]GCTCGGGCTGTGGACAGTCCCAGGGAGGGAGACGGTACCCGGGGGGTGGACACTTACGAG-3'

ClinVar aggregate classification (germline): Benign. Review status: criteria provided, multiple submitters, no conflicts (2 of 4 stars). 6 submissions from 4 submitters: Benign (6). Last evaluated 2024-07-31.

Conditions:
Neurodevelopmental disorder with hyperkinetic movements and dyskinesia. Identifiers: MedGen C5562038, MONDO:0859211, OMIM 619651.
Dyskinesia with orofacial involvement, autosomal recessive. Identifiers: MedGen C5562036, MONDO:0030625, OMIM 619647.
Dyskinesia with orofacial involvement, autosomal dominant (DSKOD). Also called: Dyskinesia, familial, with facial myokymia; Familial dyskinesia and facial myokymia; Familial Dyskinesia with Facial Myokymia (FDFM). Identifiers: Orphanet 324588, MedGen C1847627, MONDO:0800028, OMIM 606703.

Allele frequency attached by ClinVar (database versions not stated): gnomAD 0.20807 and 0.21559; TOPMed 0.22451; 1000 Genomes Project 30x 0.29044; 1000 Genomes Project 0.29772.
gnomAD v4.1: 315,299 of 1,516,380 alleles (21%); highest among the groups gnomAD compares: East Asian, 56%; 36,581 homozygotes.

Submissions (6):

Unidad de Genómica Garrahan, Hospital de Pediatría Garrahan
Classification: Benign. Last evaluated: 2024-07-31. Review status: criteria provided, single submitter. Criteria: ACMG Guidelines, 2015. Collection method: clinical testing. Allele origin: germline. Affected: no. Observed: 44 variant alleles.
Comment: This variant is classified as Benign based on local population frequency. This variant was detected in 47% of patients studied in a panel designed for Epileptic and Developmental Encephalopathy, Progressive Myoclonus Epilepsy and Abnormal Movements and Neurodegeneration with brain iron accumulation. Number of patients: 44. Only high quality variants are reported.

Genome-Nilou Lab
Classification: Benign for Dyskinesia with orofacial involvement, autosomal dominant. Last evaluated: 2021-12-05. Review status: criteria provided, single submitter. Criteria: ACMG Guidelines, 2015. Collection method: clinical testing. Allele origin: germline. Affected: no.

Genome-Nilou Lab
Classification: Benign for Dyskinesia with orofacial involvement, autosomal recessive. Last evaluated: 2021-12-05. Review status: criteria provided, single submitter. Criteria: ACMG Guidelines, 2015. Collection method: clinical testing. Allele origin: germline. Affected: no.

Genome-Nilou Lab
Classification: Benign for Neurodevelopmental disorder with hyperkinetic movements and dyskinesia. Last evaluated: 2021-12-05. Review status: criteria provided, single submitter. Criteria: ACMG Guidelines, 2015. Collection method: clinical testing. Allele origin: germline. Affected: no.

GeneDx
Classification: Benign. Last evaluated: 2018-07-30. Review status: criteria provided, single submitter. Criteria: GeneDx Variant Classification Process June 2021. Collection method: clinical testing. Allele origin: germline. Affected: yes.

Breakthrough Genomics
Classification: Benign. Review status: criteria provided, single submitter. Criteria: ACMG Guidelines, 2015. Collection method: not provided. Allele origin: germline. Inheritance: Autosomal recessive inheritance. Affected: yes.